The following is an entry in ClinVar:

ClinVar aggregate classification (germline): Uncertain significance. Review status: criteria provided, multiple submitters, no conflicts (2 of 4 stars). 2 submissions from 2 submitters: Uncertain significance (2). Last evaluated 2025-12-09.

Conditions:
Familial thoracic aortic aneurysm and aortic dissection (TAAD). Also called: Thoracic aortic aneurysms and dissections. Identifiers: Orphanet 91387, MedGen C4707243, MONDO:0019625.
FG syndrome (FGS). Identifiers: MedGen C0220769, MONDO:0002010.

Submissions (2):

Labcorp Genetics (formerly Invitae), Labcorp
Classification: Uncertain significance for FG syndrome. Last evaluated: 2025-12-09. Review status: criteria provided, single submitter. Criteria: Invitae Variant Classification Sherloc (09022015). Collection method: clinical testing. Allele origin: germline.
Comment: This sequence change replaces tyrosine, which is neutral and polar, with cysteine, which is neutral and slightly polar, at codon 1278 of the MED12 protein (p.Tyr1278Cys). This variant is not present in population databases (gnomAD no frequency). This variant has not been reported in the literature in individuals affected with MED12-related conditions. ClinVar contains an entry for this variant (Variation ID: 3293972). Invitae Evidence Modeling of protein sequence and biophysical properties (such as structural, functional, and spatial information, amino acid conservation, physicochemical variation, residue mobility, and thermodynamic stability) indicates that this missense variant is expected to disrupt MED12 protein function with a positive predictive value of 95%. In summary, the available evidence is currently insufficient to determine the role of this variant in disease. Therefore, it has been classified as a Variant of Uncertain Significance.

Ambry Genetics
Classification: Uncertain significance for Familial thoracic aortic aneurysm and aortic dissection. Last evaluated: 2024-07-01. Review status: criteria provided, single submitter. Criteria: Ambry Variant Classification Scheme 2023. Collection method: clinical testing. Allele origin: germline.
Comment: The c.3833A>G (p.Y1278C) alteration is located in exon 27 (coding exon 27) of the MED12 gene. This alteration results from an A to G substitution at nucleotide position 3833, causing the tyrosine (Y) at amino acid position 1278 to be replaced by a cysteine (C). This variant was not reported in population-based cohorts in the Genome Aggregation Database (gnomAD). This amino acid position is highly conserved in available vertebrate species. This missense alteration is located in a region that has a low rate of benign missense variation (Lek, 2016; Firth, 2009). This alteration is predicted to be deleterious by in silico analysis. Based on insufficient or conflicting evidence, the clinical significance of this alteration remains unclear.

NM_005120.3(MED12):c.3833A>G (p.Tyr1278Cys)

Gene: MED12 (mediator complex subunit 12; plus strand). Cytogenetic location: Xq13.1.
Variant type: single nucleotide variant.
Coding change: c.3833A>G on transcript NM_005120.3 (MANE Select); coding-DNA position 3833, A replaced by G.
Protein change: p.Tyr1278Cys; replaces tyrosine 1278 with cysteine.
Molecular consequence: missense variant.
Genome position (GRCh38, 1-based): chrX:71,129,821, A>G. VCF-style: chrX-71129821-A-G. GRCh37 (hg19) VCF-style: chrX-70349671-A-G.
Other names: short protein forms Y1278C.
Identifiers: ClinVar variation 3293972 (VCV003293972.3).
Genomic context (GRCh38, chrX:71,129,821, plus strand): 5'-GTGGTGGTCGGAGGCAGGGTGGCCGCAACATCTCTGTGGAGACAGCCAGTCTGGATGTCT[A>G]TGCCAAGTACGTGCTGCGCAGCATCTGCCAACAGGTCAGTTTCACCTTCCTCCCACACCT-3'
Protein context (NP_005111.2, residues 1268-1288): ISVETASLDV[Tyr1278Cys]AKYVLRSICQ